The following is an entry in ClinVar:

ClinVar aggregate classification (germline): Uncertain significance (1 of 4 stars; one submission).

Allele frequency attached by ClinVar (database versions not stated): gnomAD exomes below 0.00001; gnomAD 0.00001; 1000 Genomes Project 30x 0.00016; 1000 Genomes Project 0.00020.
gnomAD v4.1: 2 of 1,613,982 alleles (0.00012%); highest among the groups gnomAD compares: Non-Finnish European, 0.000085%; no homozygotes.

Submission:

Ambry Genetics
Classification: Uncertain significance. Last evaluated: 2022-01-15. Review status: criteria provided, single submitter. Criteria: Ambry Variant Classification Scheme 2023. Collection method: clinical testing. Allele origin: germline.
Comment: The p.F838L variant (also known as c.2514C>G), located in coding exon 23 of the KIF1B gene, results from a C to G substitution at nucleotide position 2514. The phenylalanine at codon 838 is replaced by leucine, an amino acid with highly similar properties. This amino acid position is highly conserved in available vertebrate species. In addition, this alteration is predicted to be deleterious by in silico analysis. Since supporting evidence is limited at this time, the clinical significance of this alteration remains unclear.

NM_001365951.3(KIF1B):c.2652C>G (p.Phe884Leu)

Gene: KIF1B (kinesin family member 1B; plus strand). Cytogenetic location: 1p36.22.
Variant type: single nucleotide variant.
Coding change: c.2652C>G on transcript NM_001365951.3 (MANE Select); coding-DNA position 2652, C replaced by G.
Protein change: p.Phe884Leu; replaces phenylalanine 884 with leucine.
Molecular consequence: missense variant.
Genome position (GRCh38, 1-based): chr1:10,324,872, C>G. VCF-style: chr1-10324872-C-G. GRCh37 (hg19) VCF-style: chr1-10384930-C-G.
Other names: c.2652C>G, p.Phe884Leu (NM_001365952.1); c.2514C>G, p.Phe838Leu (NM_015074.3); short protein forms F838L, F884L.
Identifiers: ClinVar variation 1792438 (VCV001792438.2), dbSNP rs201568534, ClinGen allele CA17836416.
Genomic context (GRCh38, chr1:10,324,872, plus strand): 5'-CAGTGCCCAAGACGAAAGCGAAACCACTGTGACTGGCAGCGATCCCTTCTATGATCGGTT[C>G]CACTGGTTCAAACTTGTGGGGAGGTATGTGATGATTTTGTTGATGTCTTCTTTTAAAATA-3'
Protein context (NP_001352880.1, residues 874-894): VTGSDPFYDR[Phe884Leu]HWFKLVGSSP